The following is an entry in ClinVar:

ClinVar aggregate classification (germline): Uncertain significance. Review status: criteria provided, multiple submitters, no conflicts (2 of 4 stars). 2 submissions from 2 submitters: Uncertain significance (2). Last evaluated 2024-07-28.

Conditions:
Hereditary cancer-predisposing syndrome. Also called: Hereditary neoplastic syndrome; Neoplastic Syndromes, Hereditary; Hereditary Cancer Syndrome; Tumor predisposition. Identifiers: Orphanet 140162, MedGen C0027672, MeSH D009386, MONDO:0015356.

Submissions (2):

Ambry Genetics
Classification: Uncertain significance for Hereditary cancer-predisposing syndrome. Last evaluated: 2024-07-28. Review status: criteria provided, single submitter. Criteria: Ambry Variant Classification Scheme 2023. Collection method: clinical testing. Allele origin: germline.
Comment: The p.L1729V variant (also known as c.5185C>G), located in coding exon 39 of the POLE gene, results from a C to G substitution at nucleotide position 5185. The leucine at codon 1729 is replaced by valine, an amino acid with highly similar properties. This amino acid position is conserved. In addition, the in silico prediction for this alteration is inconclusive. Based on the available evidence, the clinical significance of this variant remains unclear.

Labcorp Genetics (formerly Invitae), Labcorp
Classification: Uncertain significance. Last evaluated: 2022-08-27. Review status: criteria provided, single submitter. Criteria: Invitae Variant Classification Sherloc (09022015). Collection method: clinical testing. Allele origin: germline.
Comment: This sequence change replaces leucine, which is neutral and non-polar, with valine, which is neutral and non-polar, at codon 1729 of the POLE protein (p.Leu1729Val). This variant is not present in population databases (gnomAD no frequency). This variant has not been reported in the literature in individuals affected with POLE-related conditions. Algorithms developed to predict the effect of missense changes on protein structure and function are either unavailable or do not agree on the potential impact of this missense change (SIFT: "Tolerated"; PolyPhen-2: "Probably Damaging"; Align-GVGD: "Class C0"). In summary, the available evidence is currently insufficient to determine the role of this variant in disease. Therefore, it has been classified as a Variant of Uncertain Significance.

NM_006231.4(POLE):c.5185C>G (p.Leu1729Val)

Gene: POLE (DNA polymerase epsilon, catalytic subunit; minus strand). Cytogenetic location: 12q24.33.
Variant type: single nucleotide variant.
Coding change: c.5185C>G on transcript NM_006231.4 (MANE Select); coding-DNA position 5185, C replaced by G.
Protein change: p.Leu1729Val; replaces leucine 1729 with valine.
Molecular consequence: missense variant.
Genome position (GRCh38, 1-based): chr12:132,641,840, G>C on the plus strand (C>G on the coding strand, the complement: POLE is on the minus strand). VCF-style: chr12-132641840-G-C. GRCh37 (hg19) VCF-style: chr12-133218426-G-C.
Other names: c.5185C>G (NM_006231.2); short protein forms L1729V.
Identifiers: ClinVar variation 1718050 (VCV001718050.6), dbSNP rs2042151492, ClinGen allele CA387376499.
Genomic context (GRCh38, chr12:132,641,840, plus strand): 5'-CCATGTCGTTGACATGGTGAGACTGGAGAATGGTGTTGACGGCCAGGTTCTGAAGGTCCA[G>C]CTCCACACACACTGCACAGGAAGACGCCATGCTCAGCCAGCATCCTGCCAGCTCCAGCAC-3'
Protein context (NP_006222.2, residues 1719-1739): SGCYSTVCVE[Leu1729Val]DLQNLAVNTI